The following is an entry in ClinVar:

NM_020442.6(VARS2):c.1484T>G (p.Val495Gly)

Gene: VARS2 (valyl-tRNA synthetase 2, mitochondrial; plus strand). Cytogenetic location: 6p21.33.
Variant type: single nucleotide variant.
Coding change: c.1484T>G on transcript NM_020442.6 (MANE Select); coding-DNA position 1484, T replaced by G.
Protein change: p.Val495Gly; replaces valine 495 with glycine.
Molecular consequence: missense variant.
Genome position (GRCh38, 1-based): chr6:30,921,069, T>G. VCF-style: chr6-30921069-T-G. GRCh37 (hg19) VCF-style: chr6-30888846-T-G.
Other names: c.1064T>G, p.Val355Gly (NM_001167733.3); c.1574T>G, p.Val525Gly (NM_001167734.2); short protein forms V355G, V495G, V525G.
Identifiers: ClinVar variation 1163848 (VCV001163848.13), dbSNP rs759325866, ClinGen allele CA3705932.

ClinVar aggregate classification (germline): Uncertain significance. Review status: criteria provided, multiple submitters, no conflicts (2 of 4 stars). 4 submissions from 4 submitters: Uncertain significance (4). Last evaluated 2023-08-19.

Conditions:
VARS2-related disorder. Also called: VARS2-related condition; VARS2-related disorders.
Inborn genetic diseases. Identifiers: MedGen C0950123, MeSH D030342.

Allele frequency attached by ClinVar (database versions not stated): gnomAD exomes 0.00002 and 0.00005; TOPMed 0.00002; ExAC 0.00003; gnomAD 0.00003.
gnomAD v4.1: 79 of 1,611,846 alleles (0.0049%); highest among the groups gnomAD compares: Non-Finnish European, 0.0064%; no homozygotes.

Submissions (4):

Ambry Genetics
Classification: Uncertain significance for Inborn genetic diseases. Last evaluated: 2023-08-19. Review status: criteria provided, single submitter. Criteria: Ambry Variant Classification Scheme 2023. Collection method: clinical testing. Allele origin: germline.

PreventionGenetics, part of Exact Sciences
Classification: Uncertain significance for VARS2-related condition. Last evaluated: 2023-01-31. Review status: criteria provided, single submitter. Criteria: ACMG Guidelines, 2015. Collection method: clinical testing. Allele origin: germline.
Comment: The VARS2 c.1574T>G variant is predicted to result in the amino acid substitution p.Val525Gly. To our knowledge, this variant has not been reported in the literature. This variant is reported in 0.0062% of alleles in individuals of African descent in gnomAD. At this time, the clinical significance of this variant is uncertain due to the absence of conclusive functional and genetic evidence.

Labcorp Genetics (formerly Invitae), Labcorp
Classification: Uncertain significance. Last evaluated: 2021-12-02. Review status: criteria provided, single submitter. Criteria: Invitae Variant Classification Sherloc (09022015). Collection method: clinical testing. Allele origin: germline.
Comment: In summary, the available evidence is currently insufficient to determine the role of this variant in disease. Therefore, it has been classified as a Variant of Uncertain Significance. Algorithms developed to predict the effect of missense changes on protein structure and function (SIFT, PolyPhen-2, Align-GVGD) all suggest that this variant is likely to be disruptive. ClinVar contains an entry for this variant (Variation ID: 1163848). This variant has not been reported in the literature in individuals affected with VARS2-related conditions. This variant is present in population databases (rs759325866, gnomAD 0.007%). This sequence change replaces valine, which is neutral and non-polar, with glycine, which is neutral and non-polar, at codon 525 of the VARS2 protein (p.Val525Gly).

Mayo Clinic Laboratories, Mayo Clinic
Classification: Uncertain significance. Last evaluated: 2021-02-15. Review status: criteria provided, single submitter. Criteria: ACMG Guidelines, 2015. Collection method: clinical testing. Allele origin: germline. Observed: 1 variant allele.